The following is an entry in ClinVar:

NM_152393.4(KLHL40):c.921T>G (p.Asn307Lys)

Gene: KLHL40 (kelch like family member 40; plus strand). Cytogenetic location: 3p22.1.
Variant type: single nucleotide variant.
Coding change: c.921T>G on transcript NM_152393.4 (MANE Select); coding-DNA position 921, T replaced by G.
Protein change: p.Asn307Lys; replaces asparagine 307 with lysine.
Molecular consequence: missense variant.
Genome position (GRCh38, 1-based): chr3:42,686,539, T>G. VCF-style: chr3-42686539-T-G. GRCh37 (hg19) VCF-style: chr3-42728031-T-G.
Other names: short protein forms N307K.
Identifiers: ClinVar variation 863137 (VCV000863137.6), dbSNP rs746903692, ClinGen allele CA2336764.

ClinVar aggregate classification (germline): Uncertain significance (1 of 4 stars; one submission).

Conditions:
Nemaline myopathy 8 (NEM8). Also called: Nemaline myopathy 8, autosomal recessive. Identifiers: Orphanet 171430, MedGen C3809209, MONDO:0014138, OMIM 615348.

Allele frequency attached by ClinVar (database versions not stated): TOPMed below 0.00001; ExAC 0.00001; gnomAD exomes 0.00001.
gnomAD v4.1: 3 of 1,614,142 alleles (0.00019%); highest among the groups gnomAD compares: Admixed American, 0.005%; no homozygotes.

Submission:

Labcorp Genetics (formerly Invitae), Labcorp
Classification: Uncertain significance for Nemaline myopathy 8. Last evaluated: 2024-02-05. Review status: criteria provided, single submitter. Criteria: Invitae Variant Classification Sherloc (09022015). Collection method: clinical testing. Allele origin: germline.
Comment: This sequence change replaces asparagine, which is neutral and polar, with lysine, which is basic and polar, at codon 307 of the KLHL40 protein (p.Asn307Lys). This variant is present in population databases (rs746903692, gnomAD 0.009%). This variant has not been reported in the literature in individuals affected with KLHL40-related conditions. ClinVar contains an entry for this variant (Variation ID: 863137). Advanced modeling of protein sequence and biophysical properties (such as structural, functional, and spatial information, amino acid conservation, physicochemical variation, residue mobility, and thermodynamic stability) performed at Invitae indicates that this missense variant is not expected to disrupt KLHL40 protein function with a negative predictive value of 80%. In summary, the available evidence is currently insufficient to determine the role of this variant in disease. Therefore, it has been classified as a Variant of Uncertain Significance.